The following is an entry in ClinVar:

ClinVar aggregate classification (germline): Uncertain significance (1 of 4 stars; one submission).

Conditions:
PIK3CA related overgrowth syndrome. Also called: PIK3CA related overgrowth spectrum; PIK3CA-Related Segmental Overgrowth. Identifiers: Orphanet 530313, MedGen C4728213, MONDO:1040002.

Submission:

Clinical Genomics Laboratory, Washington University in St. Louis
Classification: Uncertain significance for PIK3CA related overgrowth syndrome. Last evaluated: 2025-10-13. Review status: criteria provided, single submitter. Criteria: Leon-Quintero et al. (Clin Genet. 2025). Collection method: clinical testing. Allele origin: somatic.
Comment: A PIK3CA c.3196_3197delinsTGGATCTTCCACACA (p.Ala1066Trpfs*11) variant was identified at an allelic fraction consistent with somatic origin. This variant, to our knowledge, has not been reported in the medical literature or the ClinVar database. It is absent from the general population (gnomAD v4.1.0), indicating it is not a common variant. This variant resides within the kinase domain of PIK3CA that is defined as a critical functional domain (Gao Y et al., PMID: 25151357; Zhao L et al., PMID: 18268322; Samuels Y et al., PMID: 15016963; Lai A et al., PMID: 35997716). Due to limited information, and based on internally developed protocol informed by the ACMG/AMP guidelines for variant interpretation and gene-specific practices from the ClinGen Criteria Specification Registry (Leon-Quintero FZ et al., PMID: 39434542), the clinical significance of the PIK3CA c.3196_3197delinsTGGATCTTCCACACA (p.Ala1066Trpfs*11) is uncertain at this time.

NM_006218.4(PIK3CA):c.3196_3197delinsTGGATCTTCCACACA (p.Ala1066fs)

Gene: PIK3CA (phosphatidylinositol-4,5-bisphosphate 3-kinase catalytic subunit alpha; plus strand). Cytogenetic location: 3q26.32.
Variant type: Indel.
Coding change: c.3196_3197delinsTGGATCTTCCACACA on transcript NM_006218.4 (MANE Select); coding-DNA positions 3196 to 3197, GC replaced by TGGATCTTCCACACA.
Protein change: p.Ala1066fs; shifts the reading frame from alanine 1066.
Molecular consequence: frameshift variant.
Genome position (GRCh38, 1-based): chr3:179,234,353-179,234,354, GC replaced by TGGATCTTCCACACA. VCF-style: chr3-179234353-GC-TGGATCTTCCACACA. GRCh37 (hg19) VCF-style: chr3-178952141-GC-TGGATCTTCCACACA.
Other names: short protein forms A1066fs.
Identifiers: ClinVar variation 4974545 (VCV004974545.1).